The following is an entry in ClinVar:

ClinVar aggregate classification (germline): Uncertain significance (1 of 4 stars; one submission).

Conditions:
Inborn genetic diseases. Identifiers: MedGen C0950123, MeSH D030342.

Submission:

Ambry Genetics
Classification: Uncertain significance for Inborn genetic diseases. Last evaluated: 2026-02-16. Review status: criteria provided, single submitter. Criteria: Ambry Variant Classification Scheme 2023. Collection method: clinical testing. Allele origin: germline.
Comment: The p.R183S variant (also known as c.549G>T), located in coding exon 5 of the ETV6 gene, results from a G to T substitution at nucleotide position 549. The arginine at codon 183 is replaced by serine, an amino acid with dissimilar properties. This amino acid position is conserved. In addition, the in silico prediction for this alteration is inconclusive. Based on the available evidence, the clinical significance of this variant remains unclear.

NM_001987.5(ETV6):c.549G>T (p.Arg183Ser)

Gene: ETV6 (ETS variant transcription factor 6; plus strand). Cytogenetic location: 12p13.2.
Variant type: single nucleotide variant.
Coding change: c.549G>T on transcript NM_001987.5 (MANE Select); coding-DNA position 549, G replaced by T.
Protein change: p.Arg183Ser; replaces arginine 183 with serine.
Molecular consequence: missense variant.
Genome position (GRCh38, 1-based): chr12:11,869,509, G>T. VCF-style: chr12-11869509-G-T. GRCh37 (hg19) VCF-style: chr12-12022443-G-T.
Other names: c.546G>T, p.Arg182Ser (NM_001413913.1); c.522G>T, p.Arg174Ser (NM_001413914.1); c.285G>T, p.Arg95Ser (NM_001413915.1); c.549G>T, p.Arg183Ser (NM_001413916.1, NM_001413917.1); short protein forms R95S, R174S, R183S, R182S.
Identifiers: ClinVar variation 4824073 (VCV004824073.1).